The following is an entry in ClinVar:

NM_005477.3(HCN4):c.1246G>T (p.Val416Leu)

Gene: HCN4 (hyperpolarization activated cyclic nucleotide gated potassium channel 4; minus strand). Cytogenetic location: 15q24.1.
Variant type: single nucleotide variant.
Coding change: c.1246G>T on transcript NM_005477.3 (MANE Select); coding-DNA position 1246, G replaced by T.
Protein change: p.Val416Leu; replaces valine 416 with leucine.
Molecular consequence: missense variant.
Genome position (GRCh38, 1-based): chr15:73,332,256, C>A on the plus strand (G>T on the coding strand, the complement: HCN4 is on the minus strand). VCF-style: chr15-73332256-C-A. GRCh37 (hg19) VCF-style: chr15-73624597-C-A.
Other names: c.1246G>T (NM_005477.2); short protein forms V416L.
Identifiers: ClinVar variation 1052080 (VCV001052080.10), dbSNP rs1360500444, ClinGen allele CA393094515.

ClinVar aggregate classification (germline): Uncertain significance. Review status: criteria provided, multiple submitters, no conflicts (2 of 4 stars). 2 submissions from 2 submitters: Uncertain significance (2). Last evaluated 2026-03-31.

Conditions:
Cardiovascular phenotype. Identifiers: MedGen CN230736.
Brugada syndrome 8 (BRGDA8). Identifiers: Orphanet 130, MedGen C2751083, MONDO:0013148, OMIM 613123.

Submissions (2):

Ambry Genetics
Classification: Uncertain significance for Cardiovascular phenotype. Last evaluated: 2026-03-31. Review status: criteria provided, single submitter. Criteria: Ambry Variant Classification Scheme 2023. Collection method: clinical testing. Allele origin: germline.

Labcorp Genetics (formerly Invitae), Labcorp
Classification: Uncertain significance for Brugada syndrome 8. Last evaluated: 2022-11-08. Review status: criteria provided, single submitter. Criteria: Invitae Variant Classification Sherloc (09022015). Collection method: clinical testing. Allele origin: germline.
Comment: This variant has not been reported in the literature in individuals affected with HCN4-related conditions. In summary, the available evidence is currently insufficient to determine the role of this variant in disease. Therefore, it has been classified as a Variant of Uncertain Significance. Advanced modeling of protein sequence and biophysical properties (such as structural, functional, and spatial information, amino acid conservation, physicochemical variation, residue mobility, and thermodynamic stability) performed at Invitae indicates that this missense variant is not expected to disrupt HCN4 protein function. ClinVar contains an entry for this variant (Variation ID: 1052080). This variant is not present in population databases (gnomAD no frequency). This sequence change replaces valine, which is neutral and non-polar, with leucine, which is neutral and non-polar, at codon 416 of the HCN4 protein (p.Val416Leu).